The following is an entry in ClinVar:

NM_178140.4(PDZD2):c.16G>A (p.Asp6Asn)

Gene: PDZD2 (PDZ domain containing 2; plus strand). Cytogenetic location: 5p13.3.
Variant type: single nucleotide variant.
Coding change: c.16G>A on transcript NM_178140.4 (MANE Select); coding-DNA position 16, G replaced by A.
Protein change: p.Asp6Asn; replaces aspartic acid 6 with asparagine.
Molecular consequence: missense variant.
Genome position (GRCh38, 1-based): chr5:31,799,264, G>A. VCF-style: chr5-31799264-G-A. GRCh37 (hg19) VCF-style: chr5-31799371-G-A.
Other names: short protein forms D6N.
Identifiers: ClinVar variation 776038 (VCV000776038.7), dbSNP rs116598198, ClinGen allele CA3218503.

ClinVar aggregate classification (germline): Benign. Review status: criteria provided, multiple submitters, no conflicts (2 of 4 stars). 3 submissions from 3 submitters: Benign (2). 1 of the submissions does not count toward it. Last evaluated 2019-12-31.

Conditions:
PDZD2-related disorder. Also called: PDZD2-related condition.

Allele frequency attached by ClinVar (database versions not stated): 1000 Genomes Project 0.00300; 1000 Genomes Project 30x 0.00328; ExAC 0.00835; TOPMed 0.00846; gnomAD 0.00952 and 0.00976; ESP Exome Variant Server 0.00984.
gnomAD v4.1: 22,330 of 1,604,040 alleles (1.4%); highest among the groups gnomAD compares: Non-Finnish European, 1.7%; 211 homozygotes.

Submissions (3):

Labcorp Genetics (formerly Invitae), Labcorp
Classification: Benign. Last evaluated: 2019-12-31. Review status: criteria provided, single submitter. Criteria: Invitae Variant Classification Sherloc (09022015). Collection method: clinical testing. Allele origin: germline.

Breakthrough Genomics
Classification: Benign. Review status: criteria provided, single submitter. Criteria: ACMG Guidelines, 2015. Collection method: not provided. Allele origin: germline. Inheritance: Unknown mechanism. Affected: yes.

PreventionGenetics, part of Exact Sciences
Classification: Benign for PDZD2-related condition. Last evaluated: 2019-03-27. Review status: no assertion criteria provided. Collection method: clinical testing. Allele origin: germline. Not counted in ClinVar's aggregate classification.
Comment: This variant is classified as benign based on ACMG/AMP sequence variant interpretation guidelines (Richards et al. 2015 PMID: 25741868, with internal and published modifications).